The following is an entry in ClinVar:

ClinVar aggregate classification (germline): Uncertain significance (1 of 4 stars; one submission).

Allele frequency attached by ClinVar (database versions not stated): TOPMed 0.00001; gnomAD exomes below 0.00001.
gnomAD v4.1: 5 of 1,595,772 alleles (0.00031%); highest among the groups gnomAD compares: Admixed American, 0.0071%; no homozygotes.

Submission:

Labcorp Genetics (formerly Invitae), Labcorp
Classification: Uncertain significance. Last evaluated: 2025-10-06. Review status: criteria provided, single submitter. Criteria: Invitae Variant Classification Sherloc (09022015). Collection method: clinical testing. Allele origin: germline.
Comment: This sequence change replaces valine, which is neutral and non-polar, with isoleucine, which is neutral and non-polar, at codon 540 of the ANLN protein (p.Val540Ile). This variant is present in population databases (no rsID available, gnomAD 0.007%). This variant has not been reported in the literature in individuals affected with ANLN-related conditions. ClinVar contains an entry for this variant (Variation ID: 2963835). Invitae Evidence Modeling of protein sequence and biophysical properties (such as structural, functional, and spatial information, amino acid conservation, physicochemical variation, residue mobility, and thermodynamic stability) indicates that this missense variant is not expected to disrupt ANLN protein function with a negative predictive value of 80%. In summary, the available evidence is currently insufficient to determine the role of this variant in disease. Therefore, it has been classified as a Variant of Uncertain Significance.

NM_018685.5(ANLN):c.1618G>A (p.Val540Ile)

Gene: ANLN (anillin, actin binding protein; plus strand). Cytogenetic location: 7p14.2.
Variant type: single nucleotide variant.
Coding change: c.1618G>A on transcript NM_018685.5 (MANE Select); coding-DNA position 1618, G replaced by A.
Protein change: p.Val540Ile; replaces valine 540 with isoleucine.
Molecular consequence: missense variant. On other transcripts: intron variant (2).
Genome position (GRCh38, 1-based): chr7:36,417,175, G>A. VCF-style: chr7-36417175-G-A. GRCh37 (hg19) VCF-style: chr7-36456784-G-A.
Other names: c.1522+1291G>A (NM_001284301.3, NM_001284302.3); short protein forms V540I.
Identifiers: ClinVar variation 2963835 (VCV002963835.3), dbSNP rs1446523048, ClinGen allele CA367211691.
Genomic context (GRCh38, chr7:36,417,175, plus strand): 5'-TTGAAAATAACATTGTTTTTAGAAGAGGACAAATCCTTAAAAGTAACATCAGACCCAAAG[G>A]TTGAGCAGAAAATTGGTTGGTTTTTATTCTTTATTTATTATTAACTTTGCACATACTATA-3'
Protein context (NP_061155.2, residues 530-550): KSLKVTSDPK[Val540Ile]EQKIEVIREI